The following is an entry in ClinVar:

ClinVar aggregate classification (germline): Likely benign (0 of 4 stars; one submission).

Conditions:
ABCA12-related disorder. Also called: ABCA12-related condition.

Allele frequency attached by ClinVar (database versions not stated): gnomAD exomes below 0.00001.
gnomAD v4.1: 4 of 1,613,510 alleles (0.00025%); highest among the groups gnomAD compares: Non-Finnish European, 0.00034%; no homozygotes.

Submission:

PreventionGenetics, part of Exact Sciences
Classification: Likely benign for ABCA12-related condition. Last evaluated: 2021-05-19. Review status: no assertion criteria provided. Collection method: clinical testing. Allele origin: germline.
Comment: This variant is classified as likely benign based on ACMG/AMP sequence variant interpretation guidelines (Richards et al. 2015 PMID: 25741868, with internal and published modifications).

NM_173076.3(ABCA12):c.7404A>G (p.Gln2468=)

Genes: ABCA12 (ATP binding cassette subfamily A member 12; minus strand), SNHG31 (small nucleolar RNA host gene 31; plus strand). Cytogenetic location: 2q35.
Variant type: single nucleotide variant.
Coding change: c.7404A>G on transcript NM_173076.3 (MANE Select); coding-DNA position 7404, A replaced by G.
Protein change: p.Gln2468=; no amino-acid change (glutamine 2468 retained).
Molecular consequence: synonymous variant. On other transcripts: non-coding transcript variant (1).
Genome position (GRCh38, 1-based): chr2:214,942,957, T>C on the plus strand (A>G on the coding strand, the complement: ABCA12 is on the minus strand). VCF-style: chr2-214942957-T-C. GRCh37 (hg19) VCF-style: chr2-215807681-T-C.
Other names: c.6450A>G, p.Gln2150= (NM_015657.4).
Identifiers: ClinVar variation 3030573 (VCV003030573.2), dbSNP rs2469118826, ClinGen allele CA431319281.